The following is an entry in ClinVar:

NM_001378120.1(MBD5):c.2035G>A (p.Ala679Thr)

Gene: MBD5 (methyl-CpG binding domain protein 5; plus strand). Cytogenetic location: 2q23.1.
Variant type: single nucleotide variant.
Coding change: c.2035G>A on transcript NM_001378120.1 (MANE Select); coding-DNA position 2035, G replaced by A.
Protein change: p.Ala679Thr; replaces alanine 679 with threonine.
Molecular consequence: missense variant.
Genome position (GRCh38, 1-based): chr2:148,469,978, G>A. VCF-style: chr2-148469978-G-A. GRCh37 (hg19) VCF-style: chr2-149227547-G-A.
Other names: c.2035G>A, p.Ala679Thr (NM_018328.5); short protein forms A679T.
Identifiers: ClinVar variation 3543817 (VCV003543817.3).

ClinVar aggregate classification (germline): Uncertain significance. Review status: criteria provided, multiple submitters, no conflicts (2 of 4 stars). 2 submissions from 2 submitters: Uncertain significance (2). Last evaluated 2024-08-28.

Conditions:
Intellectual developmental disorder, autosomal dominant 1. Also called: Intellectual disability, autosomal dominant 1; MBD5 Haploinsufficiency. Identifiers: Orphanet 228402, MedGen C1969562, MONDO:0007974, OMIM 156200.
Inborn genetic diseases. Identifiers: MedGen C0950123, MeSH D030342.

Submissions (2):

Ambry Genetics
Classification: Uncertain significance for Inborn genetic diseases. Last evaluated: 2024-08-28. Review status: criteria provided, single submitter. Criteria: Ambry Variant Classification Scheme 2023. Collection method: clinical testing. Allele origin: germline.

Labcorp Genetics (formerly Invitae), Labcorp
Classification: Uncertain significance for Intellectual developmental disorder, autosomal dominant 1. Last evaluated: 2024-05-02. Review status: criteria provided, single submitter. Criteria: Invitae Variant Classification Sherloc (09022015). Collection method: clinical testing. Allele origin: germline.
Comment: This sequence change replaces alanine, which is neutral and non-polar, with threonine, which is neutral and polar, at codon 679 of the MBD5 protein (p.Ala679Thr). This variant is not present in population databases (gnomAD no frequency). This variant has not been reported in the literature in individuals affected with MBD5-related conditions. Advanced modeling of protein sequence and biophysical properties (such as structural, functional, and spatial information, amino acid conservation, physicochemical variation, residue mobility, and thermodynamic stability) performed at Invitae indicates that this missense variant is not expected to disrupt MBD5 protein function with a negative predictive value of 80%. In summary, the available evidence is currently insufficient to determine the role of this variant in disease. Therefore, it has been classified as a Variant of Uncertain Significance.